The following is an entry in ClinVar:

NM_004186.5(SEMA3F):c.1635G>A (p.Leu545=)

Gene: SEMA3F (semaphorin 3F; plus strand). Cytogenetic location: 3p21.31.
Variant type: single nucleotide variant.
Coding change: c.1635G>A on transcript NM_004186.5 (MANE Select); coding-DNA position 1635, G replaced by A.
Protein change: p.Leu545=; no amino-acid change (leucine 545 retained).
Molecular consequence: synonymous variant.
Genome position (GRCh38, 1-based): chr3:50,185,936, G>A. VCF-style: chr3-50185936-G-A. GRCh37 (hg19) VCF-style: chr3-50223369-G-A.
Other names: c.1338G>A, p.Leu446= (NM_001318798.2); c.1542G>A, p.Leu514= (NM_001318800.2).
Identifiers: ClinVar variation 3057239 (VCV003057239.2), dbSNP rs1204412002, ClinGen allele CA433677305.

ClinVar aggregate classification (germline): Likely benign (0 of 4 stars; one submission).

Conditions:
SEMA3F-related disorder. Also called: SEMA3F-related condition.

Allele frequency attached by ClinVar (database versions not stated): gnomAD exomes below 0.00001; TOPMed below 0.00001; gnomAD 0.00001.
gnomAD v4.1: 2 of 1,613,864 alleles (0.00012%); highest among the groups gnomAD compares: Admixed American, 0.0033%; no homozygotes.

Submission:

PreventionGenetics, part of Exact Sciences
Classification: Likely benign for SEMA3F-related condition. Last evaluated: 2023-05-04. Review status: no assertion criteria provided. Collection method: clinical testing. Allele origin: germline.
Comment: This variant is classified as likely benign based on ACMG/AMP sequence variant interpretation guidelines (Richards et al. 2015 PMID: 25741868, with internal and published modifications).